The following is an entry in ClinVar:

NM_001040167.2(LFNG):c.10C>T (p.Arg4Cys)

Genes: LFNG (LFNG O-fucosylpeptide 3-beta-N-acetylglucosaminyltransferase; plus strand), LOC129997823 (ATAC-STARR-seq lymphoblastoid silent region 17876; plus strand). Cytogenetic location: 7p22.3.
Variant type: single nucleotide variant.
Coding change: c.10C>T on transcript NM_001040167.2 (MANE Select); coding-DNA position 10, C replaced by T.
Protein change: p.Arg4Cys; replaces arginine 4 with cysteine.
Molecular consequence: missense variant. On other transcripts: intron variant (2).
Genome position (GRCh38, 1-based): chr7:2,519,871, C>T. VCF-style: chr7-2519871-C-T. GRCh37 (hg19) VCF-style: chr7-2559505-C-T.
Other names: c.10C>T (NM_001040167.1); c.10C>T, p.Arg4Cys (NM_001040168.2); c.220-4824C>T (NM_001166355.2); c.45+1273C>T (NM_002304.3); short protein forms R4C.
Identifiers: ClinVar variation 2200744 (VCV002200744.5), dbSNP rs1341252096, ClinGen allele CA366612684.

ClinVar aggregate classification (germline): Uncertain significance. Review status: criteria provided, multiple submitters, no conflicts (2 of 4 stars). 2 submissions from 2 submitters: Uncertain significance (2). Last evaluated 2024-04-06.

Conditions:
Inborn genetic diseases. Identifiers: MedGen C0950123, MeSH D030342.
Spondylocostal dysostosis 3, autosomal recessive (SCDO3). Also called: LFNG-Related Spondylocostal Dysostosis, Autosomal Recessive. Identifiers: Orphanet 2311, MedGen C1853296, MONDO:0012349, OMIM 609813.

Allele frequency attached by ClinVar (database versions not stated): TOPMed 0.00001.
gnomAD v4.1: 6 of 1,104,024 alleles (0.00054%); highest among the groups gnomAD compares: Non-Finnish European, 0.00055%; no homozygotes.

Submissions (2):

Ambry Genetics
Classification: Uncertain significance for Inborn genetic diseases. Last evaluated: 2024-04-06. Review status: criteria provided, single submitter. Criteria: Ambry Variant Classification Scheme 2023. Collection method: clinical testing. Allele origin: germline.

Labcorp Genetics (formerly Invitae), Labcorp
Classification: Uncertain significance for Spondylocostal dysostosis 3, autosomal recessive. Last evaluated: 2023-05-15. Review status: criteria provided, single submitter. Criteria: Invitae Variant Classification Sherloc (09022015). Collection method: clinical testing. Allele origin: germline.
Comment: This variant has not been reported in the literature in individuals affected with LFNG-related conditions. In summary, the available evidence is currently insufficient to determine the role of this variant in disease. Therefore, it has been classified as a Variant of Uncertain Significance. Experimental studies and prediction algorithms are not available or were not evaluated, and the functional significance of this variant is currently unknown. ClinVar contains an entry for this variant (Variation ID: 2200744). This variant is not present in population databases (gnomAD no frequency). This sequence change replaces arginine, which is basic and polar, with cysteine, which is neutral and slightly polar, at codon 4 of the LFNG protein (p.Arg4Cys).